The following is an entry in ClinVar:

NM_002474.3(MYH11):c.3030_3031insAAATCTCCTTGAGGAGAGGA (p.Leu1011delinsLysSerProTer)

Gene: MYH11 (myosin heavy chain 11; minus strand). Cytogenetic location: 16p13.11.
Variant type: Insertion.
Coding change: c.3030_3031insAAATCTCCTTGAGGAGAGGA on transcript NM_002474.3 (MANE Select); coding-DNA positions 3030 to 3031, AAATCTCCTTGAGGAGAGGA inserted.
Protein change: p.Leu1011delinsLysSerProTer.
Molecular consequence: nonsense.
Genome position: GRCh38 VCF-style: chr16-15738655-A-ATCCTCTCCTCAAGGAGATTT. GRCh37 (hg19) VCF-style: chr16-15832512-A-ATCCTCTCCTCAAGGAGATTT.
Other names: c.3051_3052insAAATCTCCTTGAGGAGAGGA, p.Leu1018delinsLysSerProTer (NM_001040113.2, NM_001040114.2); c.3030_3031insAAATCTCCTTGAGGAGAGGA, p.Leu1011delinsLysSerProTer (NM_022844.3).
Identifiers: ClinVar variation 3070847 (VCV003070847.2), dbSNP rs2506191995, ClinGen allele CA2825002393.

ClinVar aggregate classification (germline): Uncertain significance. Review status: criteria provided, multiple submitters, no conflicts (2 of 4 stars). 2 submissions from 2 submitters: Uncertain significance (2). Last evaluated 2025-06-25.

Conditions:
Familial thoracic aortic aneurysm and aortic dissection (TAAD). Also called: Thoracic aortic aneurysms and dissections. Identifiers: Orphanet 91387, MedGen C4707243, MONDO:0019625.

Submissions (2):

Color Diagnostics, LLC DBA Color Health
Classification: Uncertain significance for Familial thoracic aortic aneurysm and aortic dissection. Last evaluated: 2025-06-25. Review status: criteria provided, single submitter. Criteria: ACMG Guidelines, 2015. Collection method: clinical testing. Allele origin: germline.
Comment: This variant inserts 20 nucleotides in exon 25 of the MYH11 gene, creating a frameshift and premature translation stop signal. This variant is expected to result in an absent or non-functional protein product. To our knowledge, this variant has not been reported in individuals affected with MYH11-related disorders in the literature. This variant has not been identified in the general population by the Genome Aggregation Database (gnomAD). Clinical relevance of loss-of-function MYH11 truncation variants in autosomal dominant cardiovascular disorders is not clearly established. The available evidence is insufficient to determine the role of this variant in disease conclusively. Therefore, this variant is classified as a Variant of Uncertain Significance.

All of Us Research Program, National Institutes of Health
Classification: Uncertain significance for Familial thoracic aortic aneurysm and aortic dissection. Last evaluated: 2023-05-04. Review status: criteria provided, single submitter. Criteria: ACMG Guidelines, 2015. Collection method: clinical testing. Allele origin: germline. Inheritance: Autosomal dominant inheritance. Observed: 1 variant allele, 1 heterozygote.
Comment: This variant inserts 20 nucleotides in exon 25 of the MYH11 gene, creating a frameshift and premature translation stop signal. To our knowledge, functional studies have not been reported for this variant. This variant has not been reported in individuals affected with MYH11-related disorders in the literature. This variant has not been identified in the general population by the Genome Aggregation Database (gnomAD). The role of loss-of-function MYH11 truncation variants in autosomal dominant cardiomyopathy is not clearly understood. The available evidence is insufficient to determine the role of this variant in disease conclusively. Therefore, this variant is classified as a Variant of Uncertain Significance.

This study involves interpretation of variants in research participants for the purpose of population health screening. Participant phenotype was not available at the time of variant classification. Additional details can be found in publication PMID: 35346344, PMCID: PMC8962531